The following is an entry in ClinVar:

ClinVar aggregate classification (germline): Uncertain significance (1 of 4 stars; one submission).

Conditions:
Bailey-Bloch congenital myopathy (CMYO13). Also called: Congenital myopathy 13; STAC3 disorder; Native American myopathy. Identifiers: Orphanet 168572, MedGen C1850625, MONDO:0009722, OMIM 255995.

Allele frequency attached by ClinVar (database versions not stated): ExAC 0.00001.
gnomAD v4.1: 9 of 1,613,932 alleles (0.00056%); highest among the groups gnomAD compares: Non-Finnish European, 0.00076%; no homozygotes.

Submission:

Labcorp Genetics (formerly Invitae), Labcorp
Classification: Uncertain significance for Bailey-Bloch congenital myopathy. Last evaluated: 2022-07-06. Review status: criteria provided, single submitter. Criteria: Invitae Variant Classification Sherloc (09022015). Collection method: clinical testing. Allele origin: germline.
Comment: This sequence change replaces arginine, which is basic and polar, with glutamine, which is neutral and polar, at codon 150 of the STAC3 protein (p.Arg150Gln). This variant is present in population databases (rs764482125, gnomAD 0.002%). This variant has not been reported in the literature in individuals affected with STAC3-related conditions. Algorithms developed to predict the effect of missense changes on protein structure and function are either unavailable or do not agree on the potential impact of this missense change (SIFT: "Deleterious"; PolyPhen-2: "Probably Damaging"; Align-GVGD: "Class C0"). Algorithms developed to predict the effect of sequence changes on RNA splicing suggest that this variant may create or strengthen a splice site. In summary, the available evidence is currently insufficient to determine the role of this variant in disease. Therefore, it has been classified as a Variant of Uncertain Significance.

NM_145064.3(STAC3):c.449G>A (p.Arg150Gln)

Gene: STAC3 (SH3 and cysteine rich domain 3; minus strand). Cytogenetic location: 12q13.3.
Variant type: single nucleotide variant.
Coding change: c.449G>A on transcript NM_145064.3 (MANE Select); coding-DNA position 449, G replaced by A.
Protein change: p.Arg150Gln; replaces arginine 150 with glutamine.
Molecular consequence: missense variant. On other transcripts: 5 prime UTR variant (1), non-coding transcript variant (1).
Genome position (GRCh38, 1-based): chr12:57,248,182, C>T on the plus strand (G>A on the coding strand, the complement: STAC3 is on the minus strand). VCF-style: chr12-57248182-C-T. GRCh37 (hg19) VCF-style: chr12-57641965-C-T.
Other names: c.332G>A, p.Arg111Gln (NM_001286256.2); c.-110G>A (NM_001286257.2); short protein forms R111Q, R150Q.
Identifiers: ClinVar variation 2049309 (VCV002049309.4), dbSNP rs764482125, ClinGen allele CA6647128.